The following is an entry in ClinVar:

ClinVar aggregate classification (germline): Conflicting classifications of pathogenicity. Review status: criteria provided, conflicting classifications (1 of 4 stars). 2 submissions from 2 submitters: Uncertain significance (1); Likely benign (1). Last evaluated 2025-06-18.

Conditions:
Cardiovascular phenotype. Identifiers: MedGen CN230736.
Brugada syndrome. Also called: Sudden unexpected nocturnal death syndrome; Sudden unexplained nocturnal death syndrome; Sudden Unexplained Death Syndrome; Sudden Unexplained Nocturnal Death Syndrome (SUNDS). Identifiers: Orphanet 130, MedGen C1142166, MONDO:0015263.

gnomAD v4.1: 42 of 1,611,986 alleles (0.0026%); highest among the groups gnomAD compares: South Asian, 0.027%; 1 homozygote.

Submissions (2):

Ambry Genetics
Classification: Likely benign for Cardiovascular phenotype. Last evaluated: 2025-06-18. Review status: criteria provided, single submitter. Criteria: Ambry Variant Classification Scheme 2023. Collection method: clinical testing. Allele origin: germline.

Labcorp Genetics (formerly Invitae), Labcorp
Classification: Uncertain significance for Brugada syndrome. Last evaluated: 2024-12-23. Review status: criteria provided, single submitter. Criteria: Invitae Variant Classification Sherloc (09022015). Collection method: clinical testing. Allele origin: germline.
Comment: This sequence change replaces alanine, which is neutral and non-polar, with valine, which is neutral and non-polar, at codon 1022 of the CACNA2D1 protein (p.Ala1022Val). This variant is present in population databases (rs747500641, gnomAD 0.03%). This missense change has been observed in individual(s) with autism (PMID: 35982159, 35982160). This variant is also known as 7:81959731:G:A. ClinVar contains an entry for this variant (Variation ID: 1799418). An algorithm developed to predict the effect of missense changes on protein structure and function (PolyPhen-2) suggests that this variant is likely to be disruptive. In summary, the available evidence is currently insufficient to determine the role of this variant in disease. Therefore, it has been classified as a Variant of Uncertain Significance.

Literature cited by the submitters: PubMed 35982159 (cited by Labcorp Genetics (formerly Invitae), Labcorp); PubMed 35982160 (cited by Labcorp Genetics (formerly Invitae), Labcorp).

NM_000722.4(CACNA2D1):c.3065C>T (p.Ala1022Val)

Gene: CACNA2D1 (calcium voltage-gated channel auxiliary subunit alpha2delta 1; minus strand). Cytogenetic location: 7q21.11.
Variant type: single nucleotide variant.
Coding change: c.3065C>T on transcript NM_000722.4 (MANE Select); coding-DNA position 3065, C replaced by T.
Protein change: p.Ala1022Val; replaces alanine 1022 with valine.
Molecular consequence: missense variant.
Genome position (GRCh38, 1-based): chr7:81,959,731, G>A on the plus strand (C>T on the coding strand, the complement: CACNA2D1 is on the minus strand). VCF-style: chr7-81959731-G-A. GRCh37 (hg19) VCF-style: chr7-81589047-G-A.
Other names: c.3101C>T, p.Ala1034Val (NM_001366867.1); short protein forms A1022V, A1034V.
Identifiers: ClinVar variation 1799418 (VCV001799418.8), dbSNP rs747500641, ClinGen allele CA4317409.